The following is an entry in ClinVar:

NM_001165963.4(SCN1A):c.3380T>G (p.Leu1127Ter)

Genes: SCN1A (sodium voltage-gated channel alpha subunit 1; minus strand), LOC102724058 (uncharacterized LOC102724058; plus strand). Cytogenetic location: 2q24.3.
Variant type: single nucleotide variant.
Coding change: c.3380T>G on transcript NM_001165963.4 (MANE Select); coding-DNA position 3380, T replaced by G.
Protein change: p.Leu1127Ter; replaces leucine 1127 with a stop codon.
Molecular consequence: nonsense. On other transcripts: non-coding transcript variant (2).
Genome position (GRCh38, 1-based): chr2:166,036,097, A>C on the plus strand (T>G on the coding strand, the complement: SCN1A is on the minus strand). VCF-style: chr2-166036097-A-C. GRCh37 (hg19) VCF-style: chr2-166892607-A-C.
Other names: c.3296T>G, p.Leu1099Ter (NM_001165964.3, NM_001353957.2, NM_001353958.2); c.3380T>G, p.Leu1127Ter (NM_001202435.3, NM_001353948.2); c.3347T>G, p.Leu1116Ter (NM_001353949.2, NM_001353950.2, NM_001353951.2 and 2 more transcripts); c.3344T>G, p.Leu1115Ter (NM_001353954.2, NM_001353955.2); c.3293T>G, p.Leu1098Ter (NM_001353960.2); c.938T>G, p.Leu313Ter (NM_001353961.2); short protein forms L1098*, L1099*, L1115*, L1116*, L1127*, L313*.
Identifiers: ClinVar variation 1073262 (VCV001073262.8), dbSNP rs2105793395, ClinGen allele CA349059181.

ClinVar aggregate classification (germline): Pathogenic (1 of 4 stars; one submission).

Conditions:
Early-infantile DEE. Also called: Ohtahara syndrome; Early infantile epileptic encephalopathy with suppression bursts; Early infantile epileptic encephalopathy. Identifiers: Orphanet 1934, MedGen C0393706, MONDO:0800491.

Submission:

Labcorp Genetics (formerly Invitae), Labcorp
Classification: Pathogenic for Early-infantile DEE. Last evaluated: 2020-05-12. Review status: criteria provided, single submitter. Criteria: Invitae Variant Classification Sherloc (09022015). Collection method: clinical testing. Allele origin: germline.
Comment: For these reasons, this variant has been classified as Pathogenic. Loss-of-function variants in SCN1A are known to be pathogenic (PMID: 17347258, 18930999). This variant has not been reported in the literature in individuals with SCN1A-related conditions. This variant is not present in population databases (ExAC no frequency). This sequence change creates a premature translational stop signal (p.Leu1127*) in the SCN1A gene. It is expected to result in an absent or disrupted protein product.

Literature cited by the submitters: PubMed 17347258; PubMed 18930999.